The following is an entry in ClinVar:

NM_017671.5(FERMT1):c.1135T>C (p.Phe379Leu)

Gene: FERMT1 (FERM domain containing kindlin 1; minus strand). Cytogenetic location: 20p12.3.
Variant type: single nucleotide variant.
Coding change: c.1135T>C on transcript NM_017671.5 (MANE Select); coding-DNA position 1135, T replaced by C.
Protein change: p.Phe379Leu; replaces phenylalanine 379 with leucine.
Molecular consequence: missense variant.
Genome position (GRCh38, 1-based): chr20:6,094,943, A>G on the plus strand (T>C on the coding strand, the complement: FERMT1 is on the minus strand). VCF-style: chr20-6094943-A-G. GRCh37 (hg19) VCF-style: chr20-6075590-A-G.
Other names: short protein forms F379L.
Identifiers: ClinVar variation 1991776 (VCV001991776.1), dbSNP rs780491245, ClinGen allele CA9758246.

ClinVar aggregate classification (germline): Uncertain significance (1 of 4 stars; one submission).

Allele frequency attached by ClinVar (database versions not stated): gnomAD exomes below 0.00001; ExAC 0.00001; TOPMed 0.00001.
gnomAD v4.1: 6 of 1,495,830 alleles (0.0004%); highest among the groups gnomAD compares: Admixed American, 0.01%; no homozygotes.

Submission:

Labcorp Genetics (formerly Invitae), Labcorp
Classification: Uncertain significance. Last evaluated: 2022-04-15. Review status: criteria provided, single submitter. Criteria: Invitae Variant Classification Sherloc (09022015). Collection method: clinical testing. Allele origin: germline.
Comment: This sequence change replaces phenylalanine, which is neutral and non-polar, with leucine, which is neutral and non-polar, at codon 379 of the FERMT1 protein (p.Phe379Leu). This variant is present in population databases (rs780491245, gnomAD 0.02%). This variant has not been reported in the literature in individuals affected with FERMT1-related conditions. Algorithms developed to predict the effect of missense changes on protein structure and function (SIFT, PolyPhen-2, Align-GVGD) all suggest that this variant is likely to be tolerated. In summary, the available evidence is currently insufficient to determine the role of this variant in disease. Therefore, it has been classified as a Variant of Uncertain Significance.